The following is an entry in ClinVar:

ClinVar aggregate classification (germline): Uncertain significance (1 of 4 stars; one submission).

gnomAD v4.1: 2 of 1,550,990 alleles (0.00013%); highest among the groups gnomAD compares: Non-Finnish European, 0.000087%; no homozygotes.

Submission:

Labcorp Genetics (formerly Invitae), Labcorp
Classification: Uncertain significance. Last evaluated: 2024-10-15. Review status: criteria provided, single submitter. Criteria: Invitae Variant Classification Sherloc (09022015). Collection method: clinical testing. Allele origin: germline.
Comment: This sequence change replaces valine with leucine at codon 1174 of the UNC80 protein (p.Val1174Leu). The valine residue is weakly conserved and there is a small physicochemical difference between valine and leucine. This variant is not present in population databases (gnomAD no frequency). This variant has not been reported in the literature in individuals affected with UNC80-related conditions. ClinVar contains an entry for this variant (Variation ID: 1357358). An algorithm developed to predict the effect of missense changes on protein structure and function (PolyPhen-2) suggests that this variant is likely to be disruptive. In summary, the available evidence is currently insufficient to determine the role of this variant in disease. Therefore, it has been classified as a Variant of Uncertain Significance.

NM_001371986.1(UNC80):c.3514G>T (p.Val1172Leu)

Gene: UNC80 (unc-80 subunit of NALCN channel complex; plus strand). Cytogenetic location: 2q34.
Variant type: single nucleotide variant.
Coding change: c.3514G>T on transcript NM_001371986.1 (MANE Select); coding-DNA position 3514, G replaced by T.
Protein change: p.Val1172Leu; replaces valine 1172 with leucine.
Molecular consequence: missense variant.
Genome position (GRCh38, 1-based): chr2:209,849,510, G>T. VCF-style: chr2-209849510-G-T. GRCh37 (hg19) VCF-style: chr2-210714234-G-T.
Other names: c.3520G>T, p.Val1174Leu (NM_032504.2); c.3505G>T, p.Val1169Leu (NM_182587.4); short protein forms V1169L, V1172L, V1174L.
Identifiers: ClinVar variation 1357358 (VCV001357358.6), dbSNP rs201318495, ClinGen allele CA350735074.